The following is an entry in ClinVar:

NM_183357.3(ADCY5):c.3312C>T (p.Ile1104=)

Gene: ADCY5 (adenylate cyclase 5; minus strand). Cytogenetic location: 3q21.1.
Variant type: single nucleotide variant.
Coding change: c.3312C>T on transcript NM_183357.3 (MANE Select); coding-DNA position 3312, C replaced by T.
Protein change: p.Ile1104=; no amino-acid change (isoleucine 1104 retained).
Molecular consequence: synonymous variant.
Genome position (GRCh38, 1-based): chr3:123,291,128, G>A on the plus strand (C>T on the coding strand, the complement: ADCY5 is on the minus strand). VCF-style: chr3-123291128-G-A. GRCh37 (hg19) VCF-style: chr3-123009975-G-A.
Other names: c.2262C>T, p.Ile754= (NM_001199642.1); c.3387C>T, p.Ile1129= (NM_001378259.1).
Identifiers: ClinVar variation 1591939 (VCV001591939.33), dbSNP rs774740790, ClinGen allele CA2576810.
Genomic context (GRCh38, chr3:123,291,128, plus strand): 5'-AGGCCCCTCCCAGGAACACAGCCTGACCCAGGCCCCGCTGTGCACCTCATCAAAGTCAGC[G>A]ATGATCTCATTGAGTAGCCGCAGGCACTCGACACCCTCGTTGTTGGCCTCCAGCTCAACG-3'
Protein context (NP_899200.1, residues 1094-1114): VECLRLLNEI[Ile1104=]ADFDEIISED

ClinVar aggregate classification (germline): Likely benign. Review status: criteria provided, multiple submitters, no conflicts (2 of 4 stars). 2 submissions from 2 submitters: Likely benign (2). Last evaluated 2025-03-14.

Allele frequency attached by ClinVar (database versions not stated): gnomAD exomes 0.00001; ExAC 0.00002; gnomAD 0.00003; TOPMed 0.00003.
gnomAD v4.1: 24 of 1,613,434 alleles (0.0015%); highest among the groups gnomAD compares: Middle Eastern, 0.049%; no homozygotes.

Submissions (2):

Labcorp Genetics (formerly Invitae), Labcorp
Classification: Likely benign. Last evaluated: 2025-03-14. Review status: criteria provided, single submitter. Criteria: Invitae Variant Classification Sherloc (09022015). Collection method: clinical testing. Allele origin: germline.

CeGaT Center for Human Genetics Tuebingen
Classification: Likely benign. Last evaluated: 2023-06-01. Review status: criteria provided, single submitter. Criteria: CeGaT Center For Human Genetics Tuebingen Variant Classification Criteria Version 2. Collection method: clinical testing. Allele origin: germline. Affected: yes. Observed: 1 variant allele.
Comment: ADCY5: BP4, BP7